The following is an entry in ClinVar:

ClinVar aggregate classification (germline): Benign/Likely benign. Review status: criteria provided, multiple submitters, no conflicts (2 of 4 stars). 3 submissions from 3 submitters: Benign (1); Likely benign (2). Last evaluated 2025-09-22.

Conditions:
Familial cancer of breast. Also called: Hereditary breast cancer; hereditary breast carcinoma; BREAST CANCER, FAMILIAL. Identifiers: Orphanet 227535, MedGen C0346153, MONDO:0016419, OMIM 114480. Disease mechanism: loss of function.
Hereditary cancer-predisposing syndrome. Also called: Hereditary neoplastic syndrome; Neoplastic Syndromes, Hereditary; Tumor predisposition; Hereditary Cancer Syndrome. Identifiers: Orphanet 140162, MedGen C0027672, MeSH D009386, MONDO:0015356.
Ataxia-telangiectasia syndrome (AT). Also called: Ataxia telangiectasia (A-T); LOUIS-BAR SYNDROME; Cerebello-oculocutaneous telangiectasia; Immunodeficiency with ataxia telangiectasia; Ataxia-telangiectasia, complementation group D; AT, COMPLEMENTATION GROUP C. Identifiers: Orphanet 100, MedGen C0004135, MONDO:0008840, OMIM 208900.

Allele frequency attached by ClinVar (database versions not stated): gnomAD exomes below 0.00001; TOPMed below 0.00001.
gnomAD v4.1: 1 of 1,613,132 alleles (0.000062%); highest among the groups gnomAD compares: African/African-American, 0.0013%; no homozygotes.

Submissions (3):

Labcorp Genetics (formerly Invitae), Labcorp
Classification: Likely benign for Ataxia-telangiectasia syndrome. Last evaluated: 2025-09-22. Review status: criteria provided, single submitter. Criteria: Invitae Variant Classification Sherloc (09022015). Collection method: clinical testing. Allele origin: germline.

Myriad Genetics, Inc.
Classification: Benign for Familial cancer of breast. Last evaluated: 2024-04-24. Review status: criteria provided, single submitter. Criteria: Myriad Autosomal Dominant, Autosomal Recessive and X-Linked Classification Criteria (2023). Collection method: clinical testing. Allele origin: unknown.
Comment: This variant is considered benign. This variant is a silent/synonymous amino acid change and it is not expected to impact splicing.

Ambry Genetics
Classification: Likely benign for Hereditary cancer-predisposing syndrome. Last evaluated: 2021-07-19. Review status: criteria provided, single submitter. Criteria: Ambry Variant Classification Scheme 2023. Collection method: clinical testing. Allele origin: germline.

NM_000051.4(ATM):c.957A>G (p.Leu319=)

Gene: ATM (ATM serine/threonine kinase; plus strand). Cytogenetic location: 11q22.3.
Variant type: single nucleotide variant.
Coding change: c.957A>G on transcript NM_000051.4 (MANE Select); coding-DNA position 957, A replaced by G.
Protein change: p.Leu319=; no amino-acid change (leucine 319 retained).
Molecular consequence: synonymous variant.
Genome position (GRCh38, 1-based): chr11:108,247,019, A>G. VCF-style: chr11-108247019-A-G. GRCh37 (hg19) VCF-style: chr11-108117746-A-G.
Other names: c.957A>G, p.Leu319= (NM_001351834.2).
Identifiers: ClinVar variation 407471 (VCV000407471.12), dbSNP rs1060501542, ClinGen allele CA16613305.